The following is an entry in ClinVar:

ClinVar aggregate classification (germline): Uncertain significance (1 of 4 stars; one submission).

Allele frequency attached by ClinVar (database versions not stated): gnomAD 0.00002; TOPMed 0.00003; ESP Exome Variant Server 0.00008.
gnomAD v4.1: 10 of 1,613,562 alleles (0.00062%); highest among the groups gnomAD compares: Admixed American, 0.005%; no homozygotes.

Submission:

Labcorp Genetics (formerly Invitae), Labcorp
Classification: Uncertain significance. Last evaluated: 2022-08-01. Review status: criteria provided, single submitter. Criteria: Invitae Variant Classification Sherloc (09022015). Collection method: clinical testing. Allele origin: germline.
Comment: This sequence change replaces glycine, which is neutral and non-polar, with serine, which is neutral and polar, at codon 694 of the LRP2 protein (p.Gly694Ser). This variant is present in population databases (rs368997664, gnomAD 0.006%). This variant has not been reported in the literature in individuals affected with LRP2-related conditions. Advanced modeling of protein sequence and biophysical properties (such as structural, functional, and spatial information, amino acid conservation, physicochemical variation, residue mobility, and thermodynamic stability) performed at Invitae indicates that this missense variant is expected to disrupt LRP2 protein function. In summary, the available evidence is currently insufficient to determine the role of this variant in disease. Therefore, it has been classified as a Variant of Uncertain Significance.

NM_004525.3(LRP2):c.2080G>A (p.Gly694Ser)

Gene: LRP2 (LDL receptor related protein 2; minus strand). Cytogenetic location: 2q31.1.
Variant type: single nucleotide variant.
Coding change: c.2080G>A on transcript NM_004525.3 (MANE Select); coding-DNA position 2080, G replaced by A.
Protein change: p.Gly694Ser; replaces glycine 694 with serine.
Molecular consequence: missense variant.
Genome position (GRCh38, 1-based): chr2:169,272,963, C>T on the plus strand (G>A on the coding strand, the complement: LRP2 is on the minus strand). VCF-style: chr2-169272963-C-T. GRCh37 (hg19) VCF-style: chr2-170129473-C-T.
Other names: short protein forms G694S.
Identifiers: ClinVar variation 2069943 (VCV002069943.1), dbSNP rs368997664, ClinGen allele CA59923835.
Genomic context (GRCh38, chr2:169,272,963, plus strand): 5'-CAACGTCCAAAACAGACTTCTTACCAATGCAGTGGCGCTCATCTGTATCCAGTTGGAAGC[C>T]GAATGTGCACTTGCAACGGAAACCCAAACCATCATTATCTGTTCTGTGGCTGAGGACACA-3'
Protein context (NP_004516.2, residues 684-704): GLGFRCKCTF[Gly694Ser]FQLDTDERHC